The following is an entry in ClinVar:

ClinVar aggregate classification (germline): Conflicting classifications of pathogenicity. Review status: criteria provided, conflicting classifications (1 of 4 stars). 6 submissions from 6 submitters: Uncertain significance (5); Likely benign (1). Last evaluated 2026-06-15.

Conditions:
Cardiovascular phenotype. Identifiers: MedGen CN230736.
Cardiac arrhythmia. Also called: Cardiac rhythm disease; Arrhythmia. Identifiers: MedGen C0003811, MONDO:0007263, HP:0011675.
Long QT syndrome (LQTS). Identifiers: MedGen C0023976, MeSH D008133, MONDO:0002442. Disease mechanism: loss of function. Inheritance: Various modes of inheritance.
Long QT syndrome 2 (LQT2). Identifiers: Orphanet 101016, Orphanet 768, MedGen C3150943, MONDO:0013367, OMIM 613688.
Short QT syndrome type 1. Identifiers: Orphanet 51083, MedGen C1865020, MONDO:0012312, OMIM 609620.

Allele frequency attached by ClinVar (database versions not stated): ESP Exome Variant Server 0.00008; gnomAD 0.00015 and 0.00014; gnomAD exomes 0.00004 and 0.00001; ExAC 0.00005; TOPMed 0.00013.
gnomAD v4.1: 38 of 1,614,086 alleles (0.0024%); highest among the groups gnomAD compares: African/African-American, 0.049%; no homozygotes.

Submissions (6):

Women's Health and Genetics/Laboratory Corporation of America, LabCorp
Classification: Uncertain significance. Last evaluated: 2026-06-15. Review status: criteria provided, single submitter. Criteria: LabCorp Variant Classification Summary - May 2015. Collection method: clinical testing. Allele origin: germline.
Comment: Variant summary: KCNH2 c.355G>C (p.Asp119His) results in a non-conservative amino acid change in the encoded protein sequence. Algorithms developed to predict the effect of missense changes on protein structure and function all suggest that this variant is likely to be disruptive. The variant allele was found at a frequency of 3.6e-05 in 251426 control chromosomes. The available data on variant occurrences in the general population are insufficient to allow any conclusion about variant significance. c.355G>C has been reported in individuals evaluated for arrhythmia or sudden death phenotypes; however, the available reports do not provide definitive evidence supporting an association with a specific KCNH2-related disorder (e.g. Gray_2026, Van_2016, Campuzano_2018). At least one well-calibrated in vitro patch-clamp study evaluated the functional impact of this variant and reported essentially normal KCNH2 channel function, supporting no measurable loss-of-function effect for this variant (Thomson_2024). The following publications have been ascertained in the context of this evaluation (PMID: 30086531, 39714775, 38219013, 26746457). ClinVar contains an entry for this variant (Variation ID: 405352). Based on the evidence outlined above, the variant was classified as uncertain significance.

Labcorp Genetics (formerly Invitae), Labcorp
Classification: Uncertain significance for Long QT syndrome. Last evaluated: 2025-11-25. Review status: criteria provided, single submitter. Criteria: Invitae Variant Classification Sherloc (09022015). Collection method: clinical testing. Allele origin: germline.
Comment: This sequence change replaces aspartic acid, which is acidic and polar, with histidine, which is basic and polar, at codon 119 of the KCNH2 protein (p.Asp119His). This variant is present in population databases (rs376308069, gnomAD 0.05%). This missense change has been observed in individual(s) with atrioventricular (AV) node disease (PMID: 26746457). ClinVar contains an entry for this variant (Variation ID: 405352). An algorithm developed to predict the effect of missense changes on protein structure and function (PolyPhen-2) suggests that this variant is likely to be disruptive. In summary, the available evidence is currently insufficient to determine the role of this variant in disease. Therefore, it has been classified as a Variant of Uncertain Significance.

Color Diagnostics, LLC DBA Color Health
Classification: Uncertain significance for Cardiac arrhythmia. Last evaluated: 2025-07-09. Review status: criteria provided, single submitter. Criteria: ACMG Guidelines, 2015. Collection method: clinical testing. Allele origin: germline.
Comment: This missense variant replaces aspartic acid with histidine at codon 119 of the KCNH2 protein. Computational prediction is inconclusive regarding the impact of this variant on protein structure and function. To our knowledge, functional studies have not been reported for this variant. This variant has been reported in an individual affected with AV node disease (PMID: 26746457) and in an individual affected with sudden death in infancy (PMID: 30086531). This variant has been identified in 12/282820 chromosomes in the general population by the Genome Aggregation Database (gnomAD). The available evidence is insufficient to determine the role of this variant in disease conclusively. Therefore, this variant is classified as a Variant of Uncertain Significance.

Ambry Genetics
Classification: Likely benign for Cardiovascular phenotype. Last evaluated: 2022-12-29. Review status: criteria provided, single submitter. Criteria: Ambry Variant Classification Scheme 2023. Collection method: clinical testing. Allele origin: germline.

GeneDx
Classification: Uncertain significance. Last evaluated: 2019-10-31. Review status: criteria provided, single submitter. Criteria: GeneDx Variant Classification Process June 2021. Collection method: clinical testing. Allele origin: germline. Affected: yes.
Comment: Identified in the published literature in a patient with AV node disease and in an infant that died suddenly while at rest (Van Driest et al., 2016; Campuzano et al., 2018); In silico analysis, which includes protein predictors and evolutionary conservation, supports a deleterious effect; Reported in ClinVar as a variant of uncertain significance by another clinical laboratory (ClinVar Variant ID# 405352; Landrum et al., 2016); This variant is associated with the following publications: (PMID: 26746457, 30086531)

Center for Genomics, Ann and Robert H. Lurie Children's Hospital of Chicago
Classification: Uncertain significance for Short QT syndrome type 1; Long QT syndrome 2. Review status: criteria provided, single submitter. Criteria: ACMG Guidelines, 2015. Collection method: clinical testing. Allele origin: germline.
Comment: KCNH2 NM_000238.3 exon 3 p.Asp119His (c.355G>C): This variant has been reported in the literature in one individual with AV node disease (Van Driest 2016 PMID:26746457). This variant is present in 11/24022 African alleles in the Genome Aggregation Database. This variant is present in ClinVar (Variation ID:405352). Evolutionary conservation and computational predictive tools for this variant are unclear. In summary, data on this variant is insufficient for disease classification. Therefore, the clinical significance of this variant is uncertain.

Literature cited by the submitters: PubMed 26746457 (cited by 4 submitters); PubMed 30086531 (cited by 3 submitters); PubMed 39714775 (cited by Women's Health and Genetics/Laboratory Corporation of America, LabCorp); PubMed 38219013 (cited by Women's Health and Genetics/Laboratory Corporation of America, LabCorp).

NM_000238.4(KCNH2):c.355G>C (p.Asp119His)

Gene: KCNH2 (potassium voltage-gated channel subfamily H member 2; minus strand). Cytogenetic location: 7q36.1.
Variant type: single nucleotide variant.
Coding change: c.355G>C on transcript NM_000238.4 (MANE Select); coding-DNA position 355, G replaced by C.
Protein change: p.Asp119His; replaces aspartic acid 119 with histidine.
Molecular consequence: missense variant.
Genome position (GRCh38, 1-based): chr7:150,959,689, C>G on the plus strand (G>C on the coding strand, the complement: KCNH2 is on the minus strand). VCF-style: chr7-150959689-C-G. GRCh37 (hg19) VCF-style: chr7-150656777-C-G.
Other names: c.355G>C (NM_000238.2); c.67G>C, p.Asp23His (NM_001406753.1, NM_001406756.1); c.178G>C, p.Asp60His (NM_001406755.1); c.55G>C, p.Asp19His (NM_001406757.1); c.355G>C, p.Asp119His (NM_172056.3); short protein forms D119H, D23H, D60H, D19H.
Identifiers: ClinVar variation 405352 (VCV000405352.19), dbSNP rs376308069, ClinGen allele CA039187.
Genomic context (GRCh38, chr7:150,959,689, plus strand): 5'-CCACCATGTCCTTCTCCATCACCACCTCGAAATTGAGGATGAACATGATGACAGCCCCAT[C>G]CTCGTTCTTCACGGGCACCACATCCACCAGACATAGGAAGCAGCTCCCTGCAGAGTGGGA-3'
Protein context (NP_000229.1, residues 109-129): LVDVVPVKNE[Asp119His]GAVIMFILNF